The following is an entry in ClinVar:

NM_020831.6(MRTFA):c.950G>A (p.Ser317Asn)

Gene: MRTFA (myocardin related transcription factor A; minus strand). Cytogenetic location: 22q13.1.
Variant type: single nucleotide variant.
Coding change: c.950G>A on transcript NM_020831.6 (MANE Select); coding-DNA position 950, G replaced by A.
Protein change: p.Ser317Asn; replaces serine 317 with asparagine.
Molecular consequence: missense variant.
Genome position (GRCh38, 1-based): chr22:40,421,078, C>T on the plus strand (G>A on the coding strand, the complement: MRTFA is on the minus strand). VCF-style: chr22-40421078-C-T. GRCh37 (hg19) VCF-style: chr22-40817082-C-T.
Other names: c.650G>A, p.Ser217Asn (NM_001282660.2); c.800G>A, p.Ser267Asn (NM_001282661.3); c.950G>A, p.Ser317Asn (NM_001282662.3); c.755G>A, p.Ser252Asn (NM_001318139.2); short protein forms S217N, S267N, S317N, S252N.
Identifiers: ClinVar variation 3697390 (VCV003697390.2).

ClinVar aggregate classification (germline): Uncertain significance (1 of 4 stars; one submission).

gnomAD v4.1: 2 of 1,537,262 alleles (0.00013%); highest among the groups gnomAD compares: Admixed American, 0.002%; no homozygotes.

Submission:

Labcorp Genetics (formerly Invitae), Labcorp
Classification: Uncertain significance. Last evaluated: 2024-10-10. Review status: criteria provided, single submitter. Criteria: Invitae Variant Classification Sherloc (09022015). Collection method: clinical testing. Allele origin: germline.
Comment: This sequence change replaces serine, which is neutral and polar, with asparagine, which is neutral and polar, at codon 217 of the MKL1 protein (p.Ser217Asn). This variant is present in population databases (rs777278189, gnomAD 0.008%). This variant has not been reported in the literature in individuals affected with MKL1-related conditions. An algorithm developed to predict the effect of missense changes on protein structure and function (PolyPhen-2) suggests that this variant is likely to be tolerated. In summary, the available evidence is currently insufficient to determine the role of this variant in disease. Therefore, it has been classified as a Variant of Uncertain Significance.